The following is an entry in ClinVar:

ClinVar aggregate classification (germline): Uncertain significance (1 of 4 stars; one submission).

Conditions:
Carnitine palmitoyltransferase II deficiency. Also called: Carnitine Palmitoyltransferase 2 Deficiency. Identifiers: Orphanet 157, MedGen C0342790, MONDO:0015515.

Submission:

Myriad Genetics, Inc.
Classification: Uncertain significance for Carnitine palmitoyltransferase II deficiency. Last evaluated: 2026-03-31. Review status: criteria provided, single submitter. Criteria: Myriad Autosomal Dominant, Autosomal Recessive and X-Linked Classification Criteria (2023). Collection method: clinical testing. Allele origin: unknown.
Comment: NM_000098.2(CPT2):c.937_939delGAG(E313del) is an in-frame deletion classified as a variant of uncertain significance in the context of carnitine palmitoyltransferase II deficiency. E313del has not been observed in cases with relevant disease. Relevant functional assessments of this variant are not available in the literature. E313del has not been observed in referenced population frequency databases. In summary, there is insufficient evidence to classify NM_000098.2(CPT2):c.937_939delGAG(E313del) as pathogenic or benign. Please note: this variant was assessed in the context of healthy population screening.

NM_000098.3(CPT2):c.934GAG[1] (p.Glu313del)

Gene: CPT2 (carnitine palmitoyltransferase 2; plus strand). Cytogenetic location: 1p32.3.
Variant type: Microsatellite.
Coding change: c.934GAG[1] on transcript NM_000098.3 (MANE Select); one copy of the 3-base unit GAG starting at c.934; the reference has two copies in a row; one copy, 3 bases deleted.
Protein change: p.Glu313del; deletes glutamic acid 313.
Molecular consequence: inframe deletion.
Genome position (GRCh38, 1-based): chr1:53,210,611-53,210,613, GAG deleted; deleting any 3 consecutive bases within chr1:53,210,608-53,210,613 gives the same sequence; the position shown is the placement nearest the transcript's 3' end. VCF-style (leftmost placement, unchanged base first): chr1-53210607-TGAG-T. GRCh37 (hg19) VCF-style: chr1-53676279-TGAG-T.
Other names: c.934GAG[1], p.Glu313del (NM_001330589.2); short protein forms E313del.
Identifiers: ClinVar variation 5003341 (VCV005003341.1).